The following is an entry in ClinVar:

ClinVar aggregate classification (germline): Uncertain significance (1 of 4 stars; one submission).

Conditions:
Familial cancer of breast. Also called: BREAST CANCER, FAMILIAL; Hereditary breast cancer; hereditary breast carcinoma. Identifiers: Orphanet 227535, MedGen C0346153, MONDO:0016419, OMIM 114480. Disease mechanism: loss of function.

Submission:

Neuberg Centre For Genomic Medicine, NCGM
Classification: Uncertain significance for Familial cancer of breast. Review status: criteria provided, single submitter. Criteria: ACMG Guidelines, 2015. Collection method: clinical testing. Allele origin: germline. Inheritance: Autosomal dominant inheritance. Affected: yes.
Comment: The missense variant c.4232A>Tp.Gln1411Leu in MLH3 gene has not been reported previously as a pathogenic variant nor as a benign variant, to our knowledge. The variant is novel not in any individuals in gnomAD Exomes and 1000 Genomes. The amino acid Glutamine at position 1411 is changed to a Leucine changing protein sequence and it might alter its composition and physico-chemical properties. The variant is predicted to be damaging by SIFT. The amino acid change p.Gln1411Leu in MLH3 is predicted as conserved by GERP++ and PhyloP across 100 vertebrates. For these reasons, this variant has been classified as Uncertain Significance.

NM_001040108.2(MLH3):c.4232A>T (p.Gln1411Leu)

Gene: MLH3 (mutL homolog 3; minus strand). Cytogenetic location: 14q24.3.
Variant type: single nucleotide variant.
Coding change: c.4232A>T on transcript NM_001040108.2 (MANE Select); coding-DNA position 4232, A replaced by T.
Protein change: p.Gln1411Leu; replaces glutamine 1411 with leucine.
Molecular consequence: missense variant.
Genome position (GRCh38, 1-based): chr14:75,018,839, T>A on the plus strand (A>T on the coding strand, the complement: MLH3 is on the minus strand). VCF-style: chr14-75018839-T-A. GRCh37 (hg19) VCF-style: chr14-75485542-T-A.
Other names: c.4160A>T, p.Gln1387Leu (NM_014381.3); short protein forms Q1387L, Q1411L.
Identifiers: ClinVar variation 3234867 (VCV003234867.1), dbSNP rs999151231, ClinGen allele CA390418640.
Genomic context (GRCh38, chr14:75,018,839, plus strand): 5'-AAGAGAAAATAAACTTTGCTCCCTCCTGCTCCTGTTAGTCATTAATGTACCTGTTTTTCC[T>A]GTTCCAAGTGGTCTATGTCAGCTAACGGCAGCATAGAAGGTCTCCCGTGAGCACACTGGA-3'
Protein context (NP_001035197.1, residues 1401-1421): LPLADIDHLE[Gln1411Leu]EKQIKPNLTK